The following is an entry in ClinVar:

ClinVar aggregate classification (germline): Uncertain significance (1 of 4 stars; one submission).

Submission:

Labcorp Genetics (formerly Invitae), Labcorp
Classification: Uncertain significance. Last evaluated: 2020-08-25. Review status: criteria provided, single submitter. Criteria: Invitae Variant Classification Sherloc (09022015). Collection method: clinical testing. Allele origin: germline.
Comment: In summary, the available evidence is currently insufficient to determine the role of this variant in disease. Therefore, it has been classified as a Variant of Uncertain Significance. Algorithms developed to predict the effect of missense changes on protein structure and function are either unavailable or do not agree on the potential impact of this missense change (SIFT: "Tolerated"; PolyPhen-2: "Possibly Damaging"; Align-GVGD: "Class C0"). This variant has not been reported in the literature in individuals with GNA11-related conditions. This variant is not present in population databases (ExAC no frequency). This sequence change replaces arginine with proline at codon 256 of the GNA11 protein (p.Arg256Pro). The arginine residue is moderately conserved and there is a moderate physicochemical difference between arginine and proline.

NM_002067.5(GNA11):c.767G>C (p.Arg256Pro)

Gene: GNA11 (G protein subunit alpha 11; plus strand). Cytogenetic location: 19p13.3.
Variant type: single nucleotide variant.
Coding change: c.767G>C on transcript NM_002067.5 (MANE Select); coding-DNA position 767, G replaced by C.
Protein change: p.Arg256Pro; replaces arginine 256 with proline.
Molecular consequence: missense variant.
Genome position (GRCh38, 1-based): chr19:3,119,237, G>C. VCF-style: chr19-3119237-G-C. GRCh37 (hg19) VCF-style: chr19-3119235-G-C.
Other names: short protein forms R256P.
Identifiers: ClinVar variation 1047017 (VCV001047017.8), dbSNP rs529942770, ClinGen allele CA403310922.